The following is an entry in ClinVar:

ClinVar aggregate classification (germline): Pathogenic/Likely pathogenic. Review status: criteria provided, multiple submitters, no conflicts (2 of 4 stars). 2 submissions from 2 submitters: Pathogenic (1); Likely pathogenic (1). Last evaluated 2023-08-23.

Conditions:
Retinitis pigmentosa 28 (RP28). Identifiers: Orphanet 791, MedGen C1419614, MONDO:0011630, OMIM 606068.

Submissions (2):

Baylor Genetics
Classification: Likely pathogenic for Retinitis pigmentosa 28. Last evaluated: 2023-08-23. Review status: criteria provided, single submitter. Criteria: ACMG Guidelines, 2015. Collection method: clinical testing. Allele origin: unknown.

Labcorp Genetics (formerly Invitae), Labcorp
Classification: Pathogenic. Last evaluated: 2022-06-02. Review status: criteria provided, single submitter. Criteria: Invitae Variant Classification Sherloc (09022015). Collection method: clinical testing. Allele origin: germline.
Comment: This variant has not been reported in the literature in individuals affected with FAM161A-related conditions. Algorithms developed to predict the effect of sequence changes on RNA splicing suggest that this variant may disrupt the consensus splice site. For these reasons, this variant has been classified as Pathogenic. This variant is not present in population databases (gnomAD no frequency). This sequence change creates a premature translational stop signal (p.Arg608Alafs*5) in the FAM161A gene. It is expected to result in an absent or disrupted protein product. Loss-of-function variants in FAM161A are known to be pathogenic (PMID: 20705278, 20705279, 24651477).

Literature cited by the submitters: PubMed 20705278 (cited by Labcorp Genetics (formerly Invitae), Labcorp); PubMed 20705279 (cited by Labcorp Genetics (formerly Invitae), Labcorp); PubMed 24651477 (cited by Labcorp Genetics (formerly Invitae), Labcorp).

NM_001201543.2(FAM161A):c.1822_1823del (p.Arg608fs)

Gene: FAM161A (FAM161 centrosomal protein A; minus strand). Cytogenetic location: 2p15.
Variant type: Microsatellite.
Coding change: c.1822_1823del on transcript NM_001201543.2 (MANE Select); coding-DNA positions 1822 to 1823, 2 bases deleted (AG; older notation c.1822_1823delAG).
Protein change: p.Arg608fs; shifts the reading frame from arginine 608.
Molecular consequence: frameshift variant. On other transcripts: non-coding transcript variant (1).
Genome position (GRCh38, 1-based): chr2:61,836,038-61,836,039, CT deleted on the plus strand (AG on the coding strand, the reverse complement: FAM161A is on the minus strand); deleting any 2 consecutive bases within chr2:61,836,038-61,836,041 gives the same sequence; the c. name uses the placement nearest the transcript's 3' end. VCF-style (leftmost placement, unchanged base first): chr2-61836037-CCT-C. GRCh37 (hg19) VCF-style: chr2-62063172-CCT-C.
Other names: c.1654_1655del, p.Arg552fs (NM_032180.3); c.1822_1823del (NM_001201543.1); short protein forms R552fs, R608fs.
Identifiers: ClinVar variation 1359736 (VCV001359736.7), dbSNP rs2105073741, ClinGen allele CA2580611642.